The following is an entry in ClinVar:

ClinVar aggregate classification (germline): Uncertain significance (1 of 4 stars; one submission).

Submission:

Labcorp Genetics (formerly Invitae), Labcorp
Classification: Uncertain significance. Last evaluated: 2024-11-05. Review status: criteria provided, single submitter. Criteria: Invitae Variant Classification Sherloc (09022015). Collection method: clinical testing. Allele origin: germline.
Comment: This sequence change creates a premature translational stop signal (p.Asp20Leufs*36) in the P2RY12 gene. While this is not anticipated to result in nonsense mediated decay, it is expected to disrupt the last 323 amino acid(s) of the P2RY12 protein. This variant is not present in population databases (gnomAD no frequency). This variant has not been reported in the literature in individuals affected with P2RY12-related conditions. Experimental studies and prediction algorithms are not available or were not evaluated, and the functional significance of this variant is currently unknown. In summary, the available evidence is currently insufficient to determine the role of this variant in disease. Therefore, it has been classified as a Variant of Uncertain Significance.

NM_022788.5(P2RY12):c.58_59del (p.Asp20fs)

Genes: MED12L (mediator complex subunit 12L; plus strand), P2RY12 (purinergic receptor P2Y12; minus strand). Cytogenetic location: 3q25.1.
Variant type: Microsatellite.
Coding change: c.58_59del on transcript NM_022788.5 (MANE Select); coding-DNA positions 58 to 59, 2 bases deleted (GA; older notation c.58_59delGA).
Protein change: p.Asp20fs; shifts the reading frame from aspartic acid 20.
Molecular consequence: frameshift variant. On other transcripts: intron variant (2).
Genome position (GRCh38, 1-based): chr3:151,338,787-151,338,788, TC deleted on the plus strand (GA on the coding strand, the reverse complement: P2RY12 is on the minus strand); deleting any 2 consecutive bases within chr3:151,338,787-151,338,791 gives the same sequence; the c. name uses the placement nearest the transcript's 3' end. VCF-style (leftmost placement, unchanged base first): chr3-151338786-GTC-G. GRCh37 (hg19) VCF-style: chr3-151056574-GTC-G.
Other names: c.58_59del, p.Asp20fs (NM_176876.3); c.2251-11269_2251-11268del (NM_001393769.1); c.2146-11269_2146-11268del (NM_053002.6); short protein forms D20fs.
Identifiers: ClinVar variation 1961099 (VCV001961099.5), dbSNP rs2473287395, ClinGen allele CA2580615996.